The following is an entry in ClinVar:

NM_000215.4(JAK3):c.1463T>G (p.Val488Gly)

Gene: JAK3 (Janus kinase 3; minus strand). Cytogenetic location: 19p13.11.
Variant type: single nucleotide variant.
Coding change: c.1463T>G on transcript NM_000215.4 (MANE Select); coding-DNA position 1463, T replaced by G.
Protein change: p.Val488Gly; replaces valine 488 with glycine.
Molecular consequence: missense variant.
Genome position (GRCh38, 1-based): chr19:17,838,369, A>C on the plus strand (T>G on the coding strand, the complement: JAK3 is on the minus strand). VCF-style: chr19-17838369-A-C. GRCh37 (hg19) VCF-style: chr19-17949178-A-C.
Other names: short protein forms V488G.
Identifiers: ClinVar variation 840427 (VCV000840427.9), dbSNP rs2094229597, ClinGen allele CA404770052.

ClinVar aggregate classification (germline): Uncertain significance (1 of 4 stars; one submission).

Conditions:
T-B+ severe combined immunodeficiency due to JAK3 deficiency. Also called: SCID, T CELL-NEGATIVE, B CELL-POSITIVE, NK CELL-NEGATIVE; SCID, autosomal recessive, T-negative/B-positive type. Identifiers: Orphanet 35078, MedGen C1833275, MONDO:0010938, OMIM 600802.

Submission:

Labcorp Genetics (formerly Invitae), Labcorp
Classification: Uncertain significance for T-B+ severe combined immunodeficiency due to JAK3 deficiency. Last evaluated: 2020-05-15. Review status: criteria provided, single submitter. Criteria: Invitae Variant Classification Sherloc (09022015). Collection method: clinical testing. Allele origin: germline.
Comment: In summary, the available evidence is currently insufficient to determine the role of this variant in disease. Therefore, it has been classified as a Variant of Uncertain Significance. Algorithms developed to predict the effect of missense changes on protein structure and function (SIFT, PolyPhen-2, Align-GVGD) all suggest that this variant is likely to be disruptive, but these predictions have not been confirmed by published functional studies and their clinical significance is uncertain. This variant has not been reported in the literature in individuals with JAK3-related conditions. This variant is not present in population databases (ExAC no frequency). This sequence change replaces valine with glycine at codon 488 of the JAK3 protein (p.Val488Gly). The valine residue is moderately conserved and there is a moderate physicochemical difference between valine and glycine.